The following is an entry in ClinVar:

NM_001734.5(C1S):c.717+5G>A

Gene: C1S (complement C1s; plus strand). Cytogenetic location: 12p13.31.
Variant type: single nucleotide variant.
Coding change: c.717+5G>A on transcript NM_001734.5 (MANE Select); 5 bases into the intron after coding-DNA position 717, G replaced by A.
Molecular consequence: intron variant.
Genome position (GRCh38, 1-based): chr12:7,065,304, G>A. VCF-style: chr12-7065304-G-A. GRCh37 (hg19) VCF-style: chr12-7172608-G-A.
Other names: c.717+5G>A (NM_201442.4); c.216+5G>A (NM_001346850.2).
Identifiers: ClinVar variation 1708301 (VCV001708301.4), dbSNP rs1555161972, ClinGen allele CA603487854.

ClinVar aggregate classification (germline): Uncertain significance. Review status: criteria provided, multiple submitters, no conflicts (2 of 4 stars). 2 submissions from 2 submitters: Uncertain significance (2). Last evaluated 2026-01-07.

Allele frequency attached by ClinVar (database versions not stated): gnomAD exomes 0.00001; TOPMed 0.00001.

Submissions (2):

Labcorp Genetics (formerly Invitae), Labcorp
Classification: Uncertain significance. Last evaluated: 2026-01-07. Review status: criteria provided, single submitter. Criteria: Invitae Variant Classification Sherloc (09022015). Collection method: clinical testing. Allele origin: germline.
Comment: This sequence change falls in intron 6 of the C1S gene. It does not directly change the encoded amino acid sequence of the C1S protein. It affects a nucleotide within the consensus splice site. This variant is present in population databases (no rsID available, gnomAD 0.0009%). This variant has not been reported in the literature in individuals affected with C1S-related conditions. ClinVar contains an entry for this variant (Variation ID: 1708301). Variants that disrupt the consensus splice site are a relatively common cause of aberrant splicing (PMID: 17576681, 9536098). Algorithms developed to predict the effect of sequence changes on RNA splicing suggest that this variant may disrupt the consensus splice site. In summary, the available evidence is currently insufficient to determine the role of this variant in disease. Therefore, it has been classified as a Variant of Uncertain Significance.

Centre of Medical Genetics, University Hospital Muenster
Classification: Uncertain significance. Last evaluated: 2021-12-16. Review status: criteria provided, single submitter. Criteria: ACMG Guidelines, 2015. Collection method: clinical testing. Allele origin: unknown. Affected: yes. Observed: 1 variant allele, 1 heterozygote.
Comment: ACMG categories: PM2,PP3

Literature cited by the submitters: PubMed 17576681 (cited by Labcorp Genetics (formerly Invitae), Labcorp); PubMed 9536098 (cited by Labcorp Genetics (formerly Invitae), Labcorp).